The following is an entry in ClinVar:

NM_004560.4(ROR2):c.1137G>A (p.Thr379=)

Gene: ROR2 (ROR family WNT receptor 2; minus strand). Cytogenetic location: 9q22.31.
Variant type: single nucleotide variant.
Coding change: c.1137G>A on transcript NM_004560.4 (MANE Select); coding-DNA position 1137, G replaced by A.
Protein change: p.Thr379=; no amino-acid change (threonine 379 retained).
Molecular consequence: synonymous variant.
Genome position (GRCh38, 1-based): chr9:91,730,956, C>T on the plus strand (G>A on the coding strand, the complement: ROR2 is on the minus strand). VCF-style: chr9-91730956-C-T. GRCh37 (hg19) VCF-style: chr9-94493238-C-T.
Other names: c.1137G>A, p.Thr379= (NM_001318204.2); c.1137G>A (NM_004560.3).
Identifiers: ClinVar variation 1088941 (VCV001088941.12), dbSNP rs767456619, ClinGen allele CA5120787.

ClinVar aggregate classification (germline): Likely benign. Review status: criteria provided, single submitter (1 of 4 stars). 2 submissions from 2 submitters: Likely benign (1). 1 of the submissions does not count toward it. Last evaluated 2025-12-10.

Conditions:
ROR2-related disorder. Also called: ROR2-related condition; ROR2-related disorders.

Allele frequency attached by ClinVar (database versions not stated): gnomAD exomes 0.00003; gnomAD 0.00008 and 0.00009; ExAC 0.00002; TOPMed 0.00009.
gnomAD v4.1: 55 of 1,614,034 alleles (0.0034%); highest among the groups gnomAD compares: African/African-American, 0.031%; no homozygotes.

Submissions (2):

Labcorp Genetics (formerly Invitae), Labcorp
Classification: Likely benign. Last evaluated: 2025-12-10. Review status: criteria provided, single submitter. Criteria: Invitae Variant Classification Sherloc (09022015). Collection method: clinical testing. Allele origin: germline.

PreventionGenetics, part of Exact Sciences
Classification: Likely benign for ROR2-related condition. Last evaluated: 2022-10-17. Review status: no assertion criteria provided. Collection method: clinical testing. Allele origin: germline. Not counted in ClinVar's aggregate classification.
Comment: This variant is classified as likely benign based on ACMG/AMP sequence variant interpretation guidelines (Richards et al. 2015 PMID: 25741868, with internal and published modifications).